The following is an entry in ClinVar:

ClinVar aggregate classification (germline): Benign (1 of 4 stars; one submission).

Allele frequency attached by ClinVar (database versions not stated): 1000 Genomes Project 30x 0.17786; 1000 Genomes Project 0.18411; TOPMed 0.18780; gnomAD 0.21057.
gnomAD v4.1: 211,635 of 876,710 alleles (24%); highest among the groups gnomAD compares: South Asian, 33%; 28,184 homozygotes.

Submission:

GeneDx
Classification: Benign. Last evaluated: 2018-06-15. Review status: criteria provided, single submitter. Criteria: GeneDx Variant Classification (06012015). Collection method: clinical testing. Allele origin: germline. Affected: yes.
Comment: This variant is considered likely benign or benign based on one or more of the following criteria: it is a conservative change, it occurs at a poorly conserved position in the protein, it is predicted to be benign by multiple in silico algorithms, and/or has population frequency not consistent with disease.

NM_002755.4(MAP2K1):c.292-133A>C

Gene: MAP2K1 (mitogen-activated protein kinase kinase 1; plus strand). Cytogenetic location: 15q22.31.
Variant type: single nucleotide variant.
Coding change: c.292-133A>C on transcript NM_002755.4 (MANE Select); 133 bases into the intron before coding-DNA position 292, A replaced by C.
Molecular consequence: intron variant.
Genome position (GRCh38, 1-based): chr15:66,436,613, A>C. VCF-style: chr15-66436613-A-C. GRCh37 (hg19) VCF-style: chr15-66728951-A-C.
Identifiers: ClinVar variation 561383 (VCV000561383.1), dbSNP rs11637556, ClinGen allele CA14171981.